The following is an entry in ClinVar:

NM_001122659.3(EDNRB):c.5del (p.Gln2fs)

Gene: EDNRB (endothelin receptor type B; minus strand). Cytogenetic location: 13q22.3.
Variant type: Deletion.
Coding change: c.5del on transcript NM_001122659.3 (MANE Select); coding-DNA position 5, one base deleted (A; older notation c.5delA).
Protein change: p.Gln2fs; shifts the reading frame from glutamine 2.
Molecular consequence: frameshift variant.
Genome position (GRCh38, 1-based): chr13:77,918,569, T deleted on the plus strand (A on the coding strand, the reverse complement: EDNRB is on the minus strand). VCF-style (leftmost placement, unchanged base first): chr13-77918568-CT-C. GRCh37 (hg19) VCF-style: chr13-78492703-CT-C.
Other names: c.5del, p.Gln2fs (NM_000115.5, NM_003991.4); c.275delA, p.Gln92Argfs (NM_001201397.2); short protein forms Q2fs, Q92fs.
Identifiers: ClinVar variation 2710904 (VCV002710904.3), dbSNP rs2501611645, ClinGen allele CA2697551913.

ClinVar aggregate classification (germline): Pathogenic (1 of 4 stars; one submission).

Submission:

Labcorp Genetics (formerly Invitae), Labcorp
Classification: Pathogenic. Last evaluated: 2024-02-02. Review status: criteria provided, single submitter. Criteria: Invitae Variant Classification Sherloc (09022015). Collection method: clinical testing. Allele origin: germline.
Comment: This sequence change creates a premature translational stop signal (p.Gln2Argfs*44) in the EDNRB gene. It is expected to result in an absent or disrupted protein product. Loss-of-function variants in EDNRB are known to be pathogenic (PMID: 8001159, 10528251, 20127975, 30394532). This variant is not present in population databases (gnomAD no frequency). This variant has not been reported in the literature in individuals affected with EDNRB-related conditions. For these reasons, this variant has been classified as Pathogenic.

Literature cited by the submitters: PubMed 8001159; PubMed 10528251; PubMed 20127975; PubMed 30394532.